The following is an entry in ClinVar:

NM_001378454.1(ALMS1):c.7472C>T (p.Ser2491Phe)

Gene: ALMS1 (ALMS1 centrosome and basal body associated protein; plus strand). Cytogenetic location: 2p13.1.
Variant type: single nucleotide variant.
Coding change: c.7472C>T on transcript NM_001378454.1 (MANE Select); coding-DNA position 7472, C replaced by T.
Protein change: p.Ser2491Phe; replaces serine 2491 with phenylalanine.
Molecular consequence: missense variant.
Genome position (GRCh38, 1-based): chr2:73,453,999, C>T. VCF-style: chr2-73453999-C-T. GRCh37 (hg19) VCF-style: chr2-73681126-C-T.
Other names: c.7475C>T, p.Ser2492Phe (NM_015120.4); short protein forms S2491F, S2492F.
Identifiers: ClinVar variation 4613459 (VCV004613459.1).

ClinVar aggregate classification (germline): Uncertain significance (1 of 4 stars; one submission).

Conditions:
Cardiovascular phenotype. Identifiers: MedGen CN230736.

gnomAD v4.1: 1 of 1,613,770 alleles (0.000062%); highest among the groups gnomAD compares: East Asian, 0.0022%; no homozygotes.

Submission:

Ambry Genetics
Classification: Uncertain significance for Cardiovascular phenotype. Last evaluated: 2025-11-18. Review status: criteria provided, single submitter. Criteria: Ambry Variant Classification Scheme 2023. Collection method: clinical testing. Allele origin: germline.
Comment: The p.S2492F variant (also known as c.7475C>T), located in coding exon 8 of the ALMS1 gene, results from a C to T substitution at nucleotide position 7475. The serine at codon 2492 is replaced by phenylalanine, an amino acid with highly dissimilar properties. This amino acid position is well conserved in available vertebrate species. In addition, the in silico prediction for this alteration is inconclusive. Based on the available evidence, the clinical significance of this variant remains unclear.